The following is an entry in ClinVar:

NM_005762.3(TRIM28):c.2127G>A (p.Leu709=)

Gene: TRIM28 (tripartite motif containing 28; plus strand). Cytogenetic location: 19q13.43.
Variant type: single nucleotide variant.
Coding change: c.2127G>A on transcript NM_005762.3 (MANE Select); coding-DNA position 2127, G replaced by A.
Protein change: p.Leu709=; no amino-acid change (leucine 709 retained).
Molecular consequence: synonymous variant.
Genome position (GRCh38, 1-based): chr19:58,549,969, G>A. VCF-style: chr19-58549969-G-A. GRCh37 (hg19) VCF-style: chr19-59061336-G-A.
Identifiers: ClinVar variation 3250877 (VCV003250877.18), dbSNP rs750993592.
Genomic context (GRCh38, chr19:58,549,969, plus strand): 5'-GTGCTGCCCAGAGCTGTGACATCCCTTACAATGTTTGTAGAAATGTGAGCGTGTACTGCT[G>A]GCCCTATTCTGTCACGAACCCTGCCGCCCCCTGCATCAGCTGGCTACCGACTCCACCTTC-3'
Protein context (NP_005753.1, residues 699-719): ANQRKCERVL[Leu709=]ALFCHEPCRP

ClinVar aggregate classification (germline): Likely benign (1 of 4 stars; one submission).

Allele frequency attached by ClinVar (database versions not stated): ExAC 0.00001; gnomAD 0.00001; TOPMed 0.00001.
gnomAD v4.1: 24 of 1,613,760 alleles (0.0015%); highest among the groups gnomAD compares: Non-Finnish European, 0.0019%; no homozygotes.

Submission:

CeGaT Center for Human Genetics Tuebingen
Classification: Likely benign. Last evaluated: 2024-12-01. Review status: criteria provided, single submitter. Criteria: CeGaT Center For Human Genetics Tuebingen Variant Classification Criteria Version 2. Collection method: clinical testing. Allele origin: germline. Affected: yes. Observed: 2 variant alleles.
Comment: TRIM28: BP4, BP7